The following is an entry in ClinVar:

NM_198859.4(PRICKLE2):c.*3852C>A

Genes: PRICKLE2-AS1 (PRICKLE2 antisense RNA 1; plus strand), PRICKLE2 (prickle planar cell polarity protein 2; minus strand). Cytogenetic location: 3p14.1.
Variant type: single nucleotide variant.
Coding change: c.*3852C>A on transcript NM_198859.4 (MANE Select); 3852 bases downstream of the stop codon, C replaced by A.
Molecular consequence: 3 prime UTR variant.
Genome position (GRCh38, 1-based): chr3:64,095,199, G>T on the plus strand (C>A on the coding strand, the complement: PRICKLE2 is on the minus strand). VCF-style: chr3-64095199-G-T. GRCh37 (hg19) VCF-style: chr3-64080875-G-T.
Other names: c.*3852C>A (NM_001370528.1).
Identifiers: ClinVar variation 901755 (VCV000901755.4), dbSNP rs153731, ClinGen allele CA75713791.

ClinVar aggregate classification (germline): Likely benign (1 of 4 stars; one submission).

Conditions:
Progressive myoclonic epilepsy. Also called: Myoclonic Epilepsies, Progressive; Familial progressive myoclonic epilepsy; Myoclonus epilepsy; Progressive myoclonus epilepsy. Identifiers: Orphanet 308, Orphanet 98261, MedGen C0751778, MONDO:0020074.

Allele frequency attached by ClinVar (database versions not stated): 1000 Genomes Project 30x 0.00219; 1000 Genomes Project 0.00220; TOPMed 0.00583; gnomAD 0.00694 and 0.00717.

Submission:

Illumina Laboratory Services, Illumina
Classification: Likely benign for Progressive myoclonic epilepsy. Last evaluated: 2018-01-13. Review status: criteria provided, single submitter. Criteria: ICSL Variant Classification Criteria 13 December 2019. Collection method: clinical testing. Allele origin: germline.
Comment: This variant was observed in the ICSL laboratory as part of a predisposition screen in an ostensibly healthy population. It had not been previously curated by ICSL or reported in the Human Gene Mutation Database (HGMD: prior to June 1st, 2018), and was therefore a candidate for classification through an automated scoring system. Utilizing variant allele frequency, disease prevalence and penetrance estimates, and inheritance mode, an automated score was calculated to assess if this variant is too frequent to cause the disease. Based on the score and internal cut-off values, a variant classified as likely benign is not then subjected to further curation. The score for this variant resulted in a classification of likely benign for this disease.